The following is an entry in ClinVar:

NM_000264.5(PTCH1):c.1687G>T (p.Ala563Ser)

Gene: PTCH1 (patched 1; minus strand). Cytogenetic location: 9q22.32.
Variant type: single nucleotide variant.
Coding change: c.1687G>T on transcript NM_000264.5 (MANE Select); coding-DNA position 1687, G replaced by T.
Protein change: p.Ala563Ser; replaces alanine 563 with serine.
Molecular consequence: missense variant. On other transcripts: non-coding transcript variant (1).
Genome position (GRCh38, 1-based): chr9:95,476,075, C>A on the plus strand (G>T on the coding strand, the complement: PTCH1 is on the minus strand). VCF-style: chr9-95476075-C-A. GRCh37 (hg19) VCF-style: chr9-98238357-C-A.
Other names: c.1489G>T, p.Ala497Ser (NM_001083602.3); c.1684G>T, p.Ala562Ser (NM_001083603.3); c.1234G>T, p.Ala412Ser (NM_001083604.3, NM_001083605.3, NM_001083606.3 and 1 more transcripts); c.1531G>T, p.Ala511Ser (NM_001354918.2); short protein forms A412S, A497S, A511S, A562S, A563S.
Identifiers: ClinVar variation 1315069 (VCV001315069.3), dbSNP rs146616780, ClinGen allele CA5138584.

ClinVar aggregate classification (germline): Uncertain significance. Review status: criteria provided, multiple submitters, no conflicts (2 of 4 stars). 2 submissions from 2 submitters: Uncertain significance (2). Last evaluated 2025-08-18.

Conditions:
Hereditary cancer-predisposing syndrome. Also called: Hereditary neoplastic syndrome; Neoplastic Syndromes, Hereditary; Tumor predisposition; Hereditary Cancer Syndrome. Identifiers: Orphanet 140162, MedGen C0027672, MeSH D009386, MONDO:0015356.

Allele frequency attached by ClinVar (database versions not stated): gnomAD exomes below 0.00001; ExAC 0.00002; ESP Exome Variant Server 0.00008.
gnomAD v4.1: 1 of 1,614,046 alleles (0.000062%); no homozygotes.

Submissions (2):

Ambry Genetics
Classification: Uncertain significance for Hereditary cancer-predisposing syndrome. Last evaluated: 2025-08-18. Review status: criteria provided, single submitter. Criteria: Ambry Variant Classification Scheme 2023. Collection method: clinical testing. Allele origin: germline.
Comment: The p.A563S variant (also known as c.1687G>T), located in coding exon 12 of the PTCH1 gene, results from a G to T substitution at nucleotide position 1687. The alanine at codon 563 is replaced by serine, an amino acid with similar properties. This amino acid position is highly conserved in available vertebrate species. In addition, this alteration is predicted to be deleterious by in silico analysis. Based on the available evidence, the clinical significance of this variant remains unclear.

GeneDx
Classification: Uncertain significance. Last evaluated: 2020-02-15. Review status: criteria provided, single submitter. Criteria: GeneDx Variant Classification Process June 2021. Collection method: clinical testing. Allele origin: germline. Affected: yes.
Comment: Not observed at a significant frequency in large population cohorts (Lek 2016); In silico analysis supports that this missense variant has a deleterious effect on protein structure/function; Has not been previously published as pathogenic or benign to our knowledge; This variant is associated with the following publications: (PMID: 24368541)